The following is an entry in ClinVar:

ClinVar aggregate classification (germline): Uncertain significance. Review status: criteria provided, multiple submitters, no conflicts (2 of 4 stars). 2 submissions from 2 submitters: Uncertain significance (2). Last evaluated 2025-11-16.

Conditions:
Inborn genetic diseases. Identifiers: MedGen C0950123, MeSH D030342.

Allele frequency attached by ClinVar (database versions not stated): 1000 Genomes Project 30x 0.00016; 1000 Genomes Project 0.00020.
gnomAD v4.1: 142 of 1,610,984 alleles (0.0088%); highest among the groups gnomAD compares: East Asian, 0.31%; no homozygotes.

Submissions (2):

Labcorp Genetics (formerly Invitae), Labcorp
Classification: Uncertain significance. Last evaluated: 2025-11-16. Review status: criteria provided, single submitter. Criteria: Invitae Variant Classification Sherloc (09022015). Collection method: clinical testing. Allele origin: germline.
Comment: This sequence change replaces proline, which is neutral and non-polar, with serine, which is neutral and polar, at codon 97 of the NLRP1 protein (p.Pro97Ser). This variant is present in population databases (rs200363173, gnomAD 0.1%). This variant has not been reported in the literature in individuals affected with NLRP1-related conditions. ClinVar contains an entry for this variant (Variation ID: 1897974). An algorithm developed to predict the effect of missense changes on protein structure and function outputs the following: PolyPhen-2: "Benign". The serine amino acid residue is found in multiple mammalian species, which suggests that this missense change does not adversely affect protein function. In summary, the available evidence is currently insufficient to determine the role of this variant in disease. Therefore, it has been classified as a Variant of Uncertain Significance.

Ambry Genetics
Classification: Uncertain significance for Inborn genetic diseases. Last evaluated: 2025-05-07. Review status: criteria provided, single submitter. Criteria: Ambry Variant Classification Scheme 2023. Collection method: clinical testing. Allele origin: germline.

NM_033004.4(NLRP1):c.289C>T (p.Pro97Ser)

Gene: NLRP1 (NLR family pyrin domain containing 1; minus strand). Cytogenetic location: 17p13.2.
Variant type: single nucleotide variant.
Coding change: c.289C>T on transcript NM_033004.4 (MANE Select); coding-DNA position 289, C replaced by T.
Protein change: p.Pro97Ser; replaces proline 97 with serine.
Molecular consequence: missense variant.
Genome position (GRCh38, 1-based): chr17:5,582,829, G>A on the plus strand (C>T on the coding strand, the complement: NLRP1 is on the minus strand). VCF-style: chr17-5582829-G-A. GRCh37 (hg19) VCF-style: chr17-5486149-G-A.
Other names: c.289C>T, p.Pro97Ser (NM_001033053.3, NM_014922.5, NM_033006.4 and 1 more transcripts); c.289C>T (NM_033004.3); short protein forms P97S.
Identifiers: ClinVar variation 1897974 (VCV001897974.6), dbSNP rs200363173, ClinGen allele CA8327613.